The following is an entry in ClinVar:

NM_002880.4(RAF1):c.1376T>C (p.Leu459Ser)

Gene: RAF1 (Raf-1 proto-oncogene, serine/threonine kinase; minus strand). Cytogenetic location: 3p25.2.
Variant type: single nucleotide variant.
Coding change: c.1376T>C on transcript NM_002880.4 (MANE Select); coding-DNA position 1376, T replaced by C.
Protein change: p.Leu459Ser; replaces leucine 459 with serine.
Molecular consequence: missense variant. On other transcripts: non-coding transcript variant (3).
Genome position (GRCh38, 1-based): chr3:12,587,632, A>G on the plus strand (T>C on the coding strand, the complement: RAF1 is on the minus strand). VCF-style: chr3-12587632-A-G. GRCh37 (hg19) VCF-style: chr3-12629131-A-G.
Other names: c.1436T>C, p.Leu479Ser (NM_001354689.3); c.1376T>C, p.Leu459Ser (NM_001354690.3); c.1133T>C, p.Leu378Ser (NM_001354691.3, NM_001354692.3); c.1277T>C, p.Leu426Ser (NM_001354693.3); c.1193T>C, p.Leu398Ser (NM_001354694.3); c.1034T>C, p.Leu345Ser (NM_001354695.3); short protein forms L345S, L398S, L479S, L378S, L426S, L459S.
Identifiers: ClinVar variation 2862781 (VCV002862781.3), dbSNP rs2470205963, ClinGen allele CA351500705.

ClinVar aggregate classification (germline): Uncertain significance (1 of 4 stars; one submission).

Conditions:
RASopathy. Also called: Noonan spectrum disorder; rasopathies. Identifiers: Orphanet 536391, MedGen C5555857, MONDO:0021060.

Submission:

Labcorp Genetics (formerly Invitae), Labcorp
Classification: Uncertain significance for RASopathy. Last evaluated: 2024-02-04. Review status: criteria provided, single submitter. Criteria: Invitae Variant Classification Sherloc (09022015). Collection method: clinical testing. Allele origin: germline.
Comment: This sequence change replaces leucine, which is neutral and non-polar, with serine, which is neutral and polar, at codon 459 of the RAF1 protein (p.Leu459Ser). This variant is not present in population databases (gnomAD no frequency). This variant has not been reported in the literature in individuals affected with RAF1-related conditions. Advanced modeling of protein sequence and biophysical properties (such as structural, functional, and spatial information, amino acid conservation, physicochemical variation, residue mobility, and thermodynamic stability) performed at Invitae indicates that this missense variant is expected to disrupt RAF1 protein function with a positive predictive value of 95%. In summary, the available evidence is currently insufficient to determine the role of this variant in disease. Therefore, it has been classified as a Variant of Uncertain Significance.